The following is an entry in ClinVar:

ClinVar aggregate classification (germline): Conflicting classifications of pathogenicity. Review status: criteria provided, conflicting classifications (1 of 4 stars). 2 submissions from 2 submitters: Uncertain significance (1); Likely benign (1). Last evaluated 2025-05-13.

Conditions:
Neurofibromatosis, type 1 (NF1). Also called: Neurofibromatosis, type I; VON RECKLINGHAUSEN DISEASE; NEUROFIBROMATOSIS, TYPE I, SOMATIC; Peripheral type neurofibromatosis. Identifiers: Orphanet 636, MedGen C0027831, MONDO:0018975, OMIM 162200. Disease mechanism: loss of function.
Hereditary cancer-predisposing syndrome. Also called: Hereditary neoplastic syndrome; Tumor predisposition; Neoplastic Syndromes, Hereditary; Hereditary Cancer Syndrome. Identifiers: Orphanet 140162, MedGen C0027672, MeSH D009386, MONDO:0015356.
Cardiovascular phenotype. Identifiers: MedGen CN230736.

Allele frequency attached by ClinVar (database versions not stated): gnomAD 0.00001.

Submissions (2):

Ambry Genetics
Classification: Uncertain significance for Cardiovascular phenotype; Hereditary cancer-predisposing syndrome. Last evaluated: 2025-05-13. Review status: criteria provided, single submitter. Criteria: Ambry Variant Classification Scheme 2023. Collection method: clinical testing. Allele origin: germline.
Comment: The c.2002-5C>T intronic variant results from a C to T substitution 5 nucleotides upstream from coding exon 18 in the NF1 gene. This nucleotide position is not well conserved in available vertebrate species. In silico splice site analysis predicts that this alteration will not have any significant effect on splicing. Based on the available evidence, the clinical significance of this variant remains unclear.

Labcorp Genetics (formerly Invitae), Labcorp
Classification: Likely benign for Neurofibromatosis, type 1. Last evaluated: 2023-08-10. Review status: criteria provided, single submitter. Criteria: Invitae Variant Classification Sherloc (09022015). Collection method: clinical testing. Allele origin: germline.

NM_001042492.3(NF1):c.2002-5C>T

Gene: NF1 (neurofibromin 1; plus strand). Cytogenetic location: 17q11.2.
Variant type: single nucleotide variant.
Coding change: c.2002-5C>T on transcript NM_001042492.3 (MANE Select); 5 bases into the intron before coding-DNA position 2002, C replaced by T.
Molecular consequence: intron variant.
Genome position (GRCh38, 1-based): chr17:31,226,430, C>T. VCF-style: chr17-31226430-C-T. GRCh37 (hg19) VCF-style: chr17-29553448-C-T.
Other names: c.2002-5C>T (NM_000267.4).
Identifiers: ClinVar variation 1108678 (VCV001108678.8), dbSNP rs1165625614, ClinGen allele CA728045311.